The following is an entry in ClinVar:

ClinVar aggregate classification (germline): Uncertain significance (1 of 4 stars; one submission).

Allele frequency attached by ClinVar (database versions not stated): TOPMed 0.00001; gnomAD exomes below 0.00001.
gnomAD v4.1: 1 of 1,613,608 alleles (0.000062%); highest among the groups gnomAD compares: Non-Finnish European, 0.000085%; no homozygotes.

Submission:

Labcorp Genetics (formerly Invitae), Labcorp
Classification: Uncertain significance. Last evaluated: 2025-06-12. Review status: criteria provided, single submitter. Criteria: Invitae Variant Classification Sherloc (09022015). Collection method: clinical testing. Allele origin: germline.
Comment: This sequence change replaces tyrosine, which is neutral and polar, with cysteine, which is neutral and slightly polar, at codon 1411 of the HSPG2 protein (p.Tyr1411Cys). This variant is present in population databases (no rsID available, gnomAD 0.0009%). This variant has not been reported in the literature in individuals affected with HSPG2-related conditions. ClinVar contains an entry for this variant (Variation ID: 2001543). An algorithm developed to predict the effect of missense changes on protein structure and function (PolyPhen-2) suggests that this variant is likely to be disruptive. In summary, the available evidence is currently insufficient to determine the role of this variant in disease. Therefore, it has been classified as a Variant of Uncertain Significance.

NM_005529.7(HSPG2):c.4232A>G (p.Tyr1411Cys)

Gene: HSPG2 (heparan sulfate proteoglycan 2; minus strand). Cytogenetic location: 1p36.12.
Variant type: single nucleotide variant.
Coding change: c.4232A>G on transcript NM_005529.7 (MANE Select); coding-DNA position 4232, A replaced by G.
Protein change: p.Tyr1411Cys; replaces tyrosine 1411 with cysteine.
Molecular consequence: missense variant.
Genome position (GRCh38, 1-based): chr1:21,865,799, T>C on the plus strand (A>G on the coding strand, the complement: HSPG2 is on the minus strand). VCF-style: chr1-21865799-T-C. GRCh37 (hg19) VCF-style: chr1-22192292-T-C.
Other names: c.4235A>G, p.Tyr1412Cys (NM_001291860.2); short protein forms Y1412C, Y1411C.
Identifiers: ClinVar variation 2001543 (VCV002001543.4), dbSNP rs1266712192, ClinGen allele CA338956771.
Genomic context (GRCh38, chr1:21,865,799, plus strand): 5'-GAGAGTGGGCTGCCCTGTGGGCCTGCTGTGTAGGAGAGGGTGTATCGCAACTTCCCACCG[T>C]AGGCCGCCACCTGCAAAGAGGCAAGCCCAGAGGTCACAGGCTGACCTTGGGGTGTGAGTG-3'
Protein context (NP_005520.4, residues 1401-1421): ETYQGDKVAA[Tyr1411Cys]GGKLRYTLSY